The following is an entry in ClinVar:

ClinVar aggregate classification (germline): Uncertain significance. Review status: criteria provided, multiple submitters, no conflicts (2 of 4 stars). 2 submissions from 2 submitters: Uncertain significance (2). Last evaluated 2025-08-08.

Conditions:
Neurofibromatosis, type 1 (NF1). Also called: VON RECKLINGHAUSEN DISEASE; Neurofibromatosis, type I; NEUROFIBROMATOSIS, TYPE I, SOMATIC; Peripheral type neurofibromatosis. Identifiers: Orphanet 636, MedGen C0027831, MONDO:0018975, OMIM 162200. Disease mechanism: loss of function.

Submissions (2):

GeneDx
Classification: Uncertain significance. Last evaluated: 2025-08-08. Review status: criteria provided, single submitter. Criteria: GeneDx Variant Classification Process June 2021. Collection method: clinical testing. Allele origin: germline. Affected: yes.
Comment: Not observed at significant frequency in large population cohorts (gnomAD); In silico analysis supports that this missense variant has a deleterious effect on protein structure/function; Has not been previously published as pathogenic or benign to our knowledge; This variant is associated with the following publications: (PMID: 25486365, 2121369)

Labcorp Genetics (formerly Invitae), Labcorp
Classification: Uncertain significance for Neurofibromatosis, type 1. Last evaluated: 2025-07-23. Review status: criteria provided, single submitter. Criteria: Invitae Variant Classification Sherloc (09022015). Collection method: clinical testing. Allele origin: germline.
Comment: This sequence change replaces isoleucine, which is neutral and non-polar, with lysine, which is basic and polar, at codon 967 of the NF1 protein (p.Ile967Lys). This variant is not present in population databases (gnomAD no frequency). This variant has not been reported in the literature in individuals affected with NF1-related conditions. Invitae Evidence Modeling of protein sequence and biophysical properties (such as structural, functional, and spatial information, amino acid conservation, physicochemical variation, residue mobility, and thermodynamic stability) indicates that this missense variant is expected to disrupt NF1 protein function with a positive predictive value of 95%. In summary, the available evidence is currently insufficient to determine the role of this variant in disease. Therefore, it has been classified as a Variant of Uncertain Significance.

NM_001042492.3(NF1):c.2900T>A (p.Ile967Lys)

Gene: NF1 (neurofibromin 1; plus strand). Cytogenetic location: 17q11.2.
Variant type: single nucleotide variant.
Coding change: c.2900T>A on transcript NM_001042492.3 (MANE Select); coding-DNA position 2900, T replaced by A.
Protein change: p.Ile967Lys; replaces isoleucine 967 with lysine.
Molecular consequence: missense variant.
Genome position (GRCh38, 1-based): chr17:31,229,884, T>A. VCF-style: chr17-31229884-T-A. GRCh37 (hg19) VCF-style: chr17-29556902-T-A.
Other names: c.2900T>A, p.Ile967Lys (NM_000267.4); short protein forms I967K.
Identifiers: ClinVar variation 4755673 (VCV004755673.2).
Genomic context (GRCh38, chr17:31,229,884, plus strand): 5'-TCTTTCTTTAGGTTTTATTGACTGATACCAATACTCAATTTGTAGAACAAACCATAGCTA[T>A]AATGAAGAACTTGCTAGATAATCATACTGAAGGCAGCTCTGAACATCTAGGGCAAGCTAG-3'
Protein context (NP_001035957.1, residues 957-977): NTQFVEQTIA[Ile967Lys]MKNLLDNHTE